The following is an entry in ClinVar:

ClinVar aggregate classification (germline): Uncertain significance (1 of 4 stars; one submission).

gnomAD v4.1: 1 of 1,613,738 alleles (0.000062%); highest among the groups gnomAD compares: Non-Finnish European, 0.000085%; no homozygotes.

Submission:

Women's Health and Genetics/Laboratory Corporation of America, LabCorp
Classification: Uncertain significance. Last evaluated: 2026-05-21. Review status: criteria provided, single submitter. Criteria: LabCorp Variant Classification Summary - May 2015. Collection method: clinical testing. Allele origin: germline.
Comment: Variant summary: COL1A1 c.1078C>T (p.Pro360Ser) results in a non-conservative amino acid change in the encoded protein sequence. Algorithms developed to predict the effect of missense changes on protein structure and function are either unavailable or do not agree on the potential impact of this missense change. The variant was absent in 250476 control chromosomes. The available data on variant occurrences in the general population are insufficient to allow any conclusion about variant significance. To our knowledge, no occurrence of c.1078C>T in individuals affected with COL1A1-related conditions and no experimental evidence demonstrating its impact on protein function have been reported. No submitters have cited clinical-significance assessments for this variant to ClinVar. Based on the evidence outlined above, the variant was classified as uncertain significance.

NM_000088.4(COL1A1):c.1078C>T (p.Pro360Ser)

Gene: COL1A1 (collagen type I alpha 1 chain; minus strand). Cytogenetic location: 17q21.33.
Variant type: single nucleotide variant.
Coding change: c.1078C>T on transcript NM_000088.4 (MANE Select); coding-DNA position 1078, C replaced by T.
Protein change: p.Pro360Ser; replaces proline 360 with serine.
Molecular consequence: missense variant.
Genome position (GRCh38, 1-based): chr17:50,195,644, G>A on the plus strand (C>T on the coding strand, the complement: COL1A1 is on the minus strand). VCF-style: chr17-50195644-G-A. GRCh37 (hg19) VCF-style: chr17-48273005-G-A.
Other names: short protein forms P360S.
Identifiers: ClinVar variation 4853724 (VCV004853724.1).